The following is an entry in ClinVar:

NM_015338.6(ASXL1):c.3893C>T (p.Thr1298Ile)

Gene: ASXL1 (ASXL transcriptional regulator 1; plus strand). Cytogenetic location: 20q11.21.
Variant type: single nucleotide variant.
Coding change: c.3893C>T on transcript NM_015338.6 (MANE Select); coding-DNA position 3893, C replaced by T.
Protein change: p.Thr1298Ile; replaces threonine 1298 with isoleucine.
Molecular consequence: missense variant.
Genome position (GRCh38, 1-based): chr20:32,436,605, C>T. VCF-style: chr20-32436605-C-T. GRCh37 (hg19) VCF-style: chr20-31024408-C-T.
Other names: c.3710C>T, p.Thr1237Ile (NM_001363734.1); short protein forms T1237I, T1298I.
Identifiers: ClinVar variation 3011800 (VCV003011800.3), dbSNP rs778027986, ClinGen allele CA9808921.
Genomic context (GRCh38, chr20:32,436,605, plus strand): 5'-ATGTGATCTCCTTTGGTCCAGAGCAGACAGGTCGGGCCCTGGGTGATCAGAGCAATGTTA[C>T]AGGCCAAGGGAAGAAGCTTTTTGGCTCTGGGAATGTGGCTGCAACCCTTCAGCGCCCCAG-3'
Protein context (NP_056153.2, residues 1288-1308): GRALGDQSNV[Thr1298Ile]GQGKKLFGSG

ClinVar aggregate classification (germline): Uncertain significance (1 of 4 stars; one submission).

Allele frequency attached by ClinVar (database versions not stated): ExAC 0.00001.
gnomAD v4.1: 17 of 1,614,176 alleles (0.0011%); highest among the groups gnomAD compares: Non-Finnish European, 0.0014%; no homozygotes.

Submission:

Labcorp Genetics (formerly Invitae), Labcorp
Classification: Uncertain significance. Last evaluated: 2023-03-07. Review status: criteria provided, single submitter. Criteria: Invitae Variant Classification Sherloc (09022015). Collection method: clinical testing. Allele origin: germline.
Comment: This variant has not been reported in the literature in individuals affected with ASXL1-related conditions. In summary, the available evidence is currently insufficient to determine the role of this variant in disease. Therefore, it has been classified as a Variant of Uncertain Significance. An algorithm developed to predict the effect of missense changes on protein structure and function (PolyPhen-2) suggests that this variant is likely to be tolerated. This variant is present in population databases (rs778027986, gnomAD 0.0009%). This sequence change replaces threonine, which is neutral and polar, with isoleucine, which is neutral and non-polar, at codon 1298 of the ASXL1 protein (p.Thr1298Ile).